The following is an entry in ClinVar:

NM_017617.5(NOTCH1):c.5019-51C>T

Gene: NOTCH1 (notch receptor 1; minus strand). Cytogenetic location: 9q34.3.
Variant type: single nucleotide variant.
Coding change: c.5019-51C>T on transcript NM_017617.5 (MANE Select); 51 bases into the intron before coding-DNA position 5019, C replaced by T.
Molecular consequence: intron variant.
Genome position (GRCh38, 1-based): chr9:136,503,381, G>A on the plus strand (C>T on the coding strand, the complement: NOTCH1 is on the minus strand). VCF-style: chr9-136503381-G-A. GRCh37 (hg19) VCF-style: chr9-139397833-G-A.
Identifiers: ClinVar variation 679491 (VCV000679491.2), dbSNP rs375124318, ClinGen allele CA5340473.
Genomic context (GRCh38, chr9:136,503,381, plus strand): 5'-GACGATGGAGCTGGGCGGACAATCAGAGAGGGGCTGGGACCCGAGGCTTCCTCCTCCCCC[G>A]CCCACCGGCCAGGGATGCTGCCGCAGGACACTGAGGCCCATGACGCCACAGTCAGGACAT-3'

ClinVar aggregate classification (germline): Likely benign. Review status: criteria provided, multiple submitters, no conflicts (2 of 4 stars). 2 submissions from 2 submitters: Likely benign (2). Last evaluated 2018-06-19.

Allele frequency attached by ClinVar (database versions not stated): gnomAD 0.00455 and 0.00426; ESP Exome Variant Server 0.00478; TOPMed 0.00488; gnomAD exomes 0.00041 and 0.00109; ExAC 0.00122; 1000 Genomes Project 30x 0.00359; 1000 Genomes Project 0.00379.
gnomAD v4.1: 1,279 of 1,610,576 alleles (0.079%); highest among the groups gnomAD compares: African/African-American, 1.5%; 12 homozygotes.

Submissions (2):

GeneDx
Classification: Likely benign. Last evaluated: 2018-06-19. Review status: criteria provided, single submitter. Criteria: GeneDx Variant Classification (06012015). Collection method: clinical testing. Allele origin: germline. Affected: yes.
Comment: This variant is considered likely benign or benign based on one or more of the following criteria: it is a conservative change, it occurs at a poorly conserved position in the protein, it is predicted to be benign by multiple in silico algorithms, and/or has population frequency not consistent with disease.

Breakthrough Genomics
Classification: Likely benign. Review status: criteria provided, single submitter. Criteria: ACMG Guidelines, 2015. Collection method: not provided. Allele origin: germline. Inheritance: Autosomal dominant inheritance. Affected: yes.